The following is an entry in ClinVar:

NM_001447.3(FAT2):c.6270T>A (p.Phe2090Leu)

Genes: FAT2 (FAT atypical cadherin 2; minus strand), SLC36A1 (solute carrier family 36 member 1; plus strand). Cytogenetic location: 5q33.1.
Variant type: single nucleotide variant.
Coding change: c.6270T>A on transcript NM_001447.3 (MANE Select); coding-DNA position 6270, T replaced by A.
Protein change: p.Phe2090Leu; replaces phenylalanine 2090 with leucine.
Molecular consequence: missense variant.
Genome position (GRCh38, 1-based): chr5:151,544,857, A>T on the plus strand (T>A on the coding strand, the complement: FAT2 is on the minus strand). VCF-style: chr5-151544857-A-T. GRCh37 (hg19) VCF-style: chr5-150924418-A-T.
Other names: short protein forms F2090L.
Identifiers: ClinVar variation 2988604 (VCV002988604.3), dbSNP rs2479854995, ClinGen allele CA361839422.

ClinVar aggregate classification (germline): Uncertain significance (1 of 4 stars; one submission).

Allele frequency attached by ClinVar (database versions not stated): gnomAD exomes below 0.00001.
gnomAD v4.1: 2 of 1,614,190 alleles (0.00012%); highest among the groups gnomAD compares: East Asian, 0.0045%; no homozygotes.

Submission:

Labcorp Genetics (formerly Invitae), Labcorp
Classification: Uncertain significance. Last evaluated: 2023-07-23. Review status: criteria provided, single submitter. Criteria: Invitae Variant Classification Sherloc (09022015). Collection method: clinical testing. Allele origin: germline.
Comment: This sequence change replaces phenylalanine, which is neutral and non-polar, with leucine, which is neutral and non-polar, at codon 2090 of the FAT2 protein (p.Phe2090Leu). This variant is not present in population databases (gnomAD no frequency). This variant has not been reported in the literature in individuals affected with FAT2-related conditions. Advanced modeling of protein sequence and biophysical properties (such as structural, functional, and spatial information, amino acid conservation, physicochemical variation, residue mobility, and thermodynamic stability) performed at Invitae indicates that this missense variant is not expected to disrupt FAT2 protein function. In summary, the available evidence is currently insufficient to determine the role of this variant in disease. Therefore, it has been classified as a Variant of Uncertain Significance.